The following is an entry in ClinVar:

ClinVar aggregate classification (germline): Uncertain significance (1 of 4 stars; one submission).

Allele frequency attached by ClinVar (database versions not stated): gnomAD exomes below 0.00001 and 0.00001; gnomAD 0.00001.
gnomAD v4.1: 6 of 1,612,002 alleles (0.00037%); highest among the groups gnomAD compares: Non-Finnish European, 0.00051%; no homozygotes.

Submission:

Labcorp Genetics (formerly Invitae), Labcorp
Classification: Uncertain significance. Last evaluated: 2022-05-19. Review status: criteria provided, single submitter. Criteria: Invitae Variant Classification Sherloc (09022015). Collection method: clinical testing. Allele origin: germline.
Comment: In summary, the available evidence is currently insufficient to determine the role of this variant in disease. Therefore, it has been classified as a Variant of Uncertain Significance. Algorithms developed to predict the effect of missense changes on protein structure and function are either unavailable or do not agree on the potential impact of this missense change (SIFT: "Deleterious"; PolyPhen-2: "Probably Damaging"; Align-GVGD: "Class C0"). This variant has not been reported in the literature in individuals affected with ITGAM-related conditions. This variant is present in population databases (no rsID available, gnomAD 0.002%). This sequence change replaces leucine, which is neutral and non-polar, with isoleucine, which is neutral and non-polar, at codon 792 of the ITGAM protein (p.Leu792Ile).

NM_000632.4(ITGAM):c.2374C>A (p.Leu792Ile)

Gene: ITGAM (integrin subunit alpha M; plus strand). Cytogenetic location: 16p11.2.
Variant type: single nucleotide variant.
Coding change: c.2374C>A on transcript NM_000632.4 (MANE Select); coding-DNA position 2374, C replaced by A.
Protein change: p.Leu792Ile; replaces leucine 792 with isoleucine.
Molecular consequence: missense variant.
Genome position (GRCh38, 1-based): chr16:31,325,273, C>A. VCF-style: chr16-31325273-C-A. GRCh37 (hg19) VCF-style: chr16-31336594-C-A.
Other names: c.2377C>A, p.Leu793Ile (NM_001145808.2); short protein forms L792I, L793I.
Identifiers: ClinVar variation 1468192 (VCV001468192.6), dbSNP rs1158924109, ClinGen allele CA395690589.